The following is an entry in ClinVar:

ClinVar aggregate classification (germline): Uncertain significance. Review status: criteria provided, multiple submitters, no conflicts (2 of 4 stars). 2 submissions from 2 submitters: Uncertain significance (2). Last evaluated 2025-06-23.

Conditions:
Hereditary cancer-predisposing syndrome. Also called: Tumor predisposition; Hereditary neoplastic syndrome; Neoplastic Syndromes, Hereditary; Hereditary Cancer Syndrome. Identifiers: Orphanet 140162, MedGen C0027672, MeSH D009386, MONDO:0015356.

Allele frequency attached by ClinVar (database versions not stated): gnomAD exomes below 0.00001.
gnomAD v4.1: 1 of 1,613,586 alleles (0.000062%); highest among the groups gnomAD compares: Non-Finnish European, 0.000085%; no homozygotes.

Submissions (2):

Ambry Genetics
Classification: Uncertain significance for Hereditary cancer-predisposing syndrome. Last evaluated: 2025-06-23. Review status: criteria provided, single submitter. Criteria: Ambry Variant Classification Scheme 2023. Collection method: clinical testing. Allele origin: germline.
Comment: The p.V436M variant (also known as c.1306G>A), located in coding exon 9 of the FH gene, results from a G to A substitution at nucleotide position 1306. The valine at codon 436 is replaced by methionine, an amino acid with highly similar properties. This amino acid position is well conserved in available vertebrate species. In addition, the in silico prediction for this alteration is inconclusive. Based on the available evidence, the clinical significance of this variant remains unclear.

Labcorp Genetics (formerly Invitae), Labcorp
Classification: Uncertain significance. Last evaluated: 2022-06-23. Review status: criteria provided, single submitter. Criteria: Invitae Variant Classification Sherloc (09022015). Collection method: clinical testing. Allele origin: germline.
Comment: This sequence change replaces valine, which is neutral and non-polar, with methionine, which is neutral and non-polar, at codon 436 of the FH protein (p.Val436Met). This variant is present in population databases (no rsID available, gnomAD 0.0009%). This variant has not been reported in the literature in individuals affected with FH-related conditions. ClinVar contains an entry for this variant (Variation ID: 818870). Advanced modeling of protein sequence and biophysical properties (such as structural, functional, and spatial information, amino acid conservation, physicochemical variation, residue mobility, and thermodynamic stability) performed at Invitae indicates that this missense variant is not expected to disrupt FH protein function. In summary, the available evidence is currently insufficient to determine the role of this variant in disease. Therefore, it has been classified as a Variant of Uncertain Significance.

NM_000143.4(FH):c.1306G>A (p.Val436Met)

Gene: FH (fumarate hydratase; minus strand). Cytogenetic location: 1q43.
Variant type: single nucleotide variant.
Coding change: c.1306G>A on transcript NM_000143.4 (MANE Select); coding-DNA position 1306, G replaced by A.
Protein change: p.Val436Met; replaces valine 436 with methionine.
Molecular consequence: missense variant.
Genome position (GRCh38, 1-based): chr1:241,500,521, C>T on the plus strand (G>A on the coding strand, the complement: FH is on the minus strand). VCF-style: chr1-241500521-C-T. GRCh37 (hg19) VCF-style: chr1-241663821-C-T.
Other names: short protein forms V436M.
Identifiers: ClinVar variation 818870 (VCV000818870.7), dbSNP rs1324526971, ClinGen allele CA345436666.
Genomic context (GRCh38, chr1:241,500,521, plus strand): 5'-CCAACATTAGAGACTCATTCATCAGCTTGTTGATCCTTTCTGTATTGGCCTGGATTCCCA[C>T]CACGCAGTTTTCTGTAAAGGAAACTGAAGCATCCCCCAGCAGCCTGGCTGAGTGTAACAC-3'
Protein context (NP_000134.2, residues 426-446): ASVSFTENCV[Val436Met]GIQANTERIN